The following is an entry in ClinVar:

ClinVar aggregate classification (germline): Likely benign (1 of 4 stars; one submission).

gnomAD v4.1: 10 of 1,231,670 alleles (0.00081%); highest among the groups gnomAD compares: Middle Eastern, 0.031%; no homozygotes.

Submission:

CeGaT Center for Human Genetics Tuebingen
Classification: Likely benign. Last evaluated: 2026-02-01. Review status: criteria provided, single submitter. Criteria: CeGaT Center For Human Genetics Tuebingen Variant Classification Criteria Version 2. Collection method: clinical testing. Allele origin: germline. Affected: yes. Observed: 1 variant allele.
Comment: FBRSL1: BS2

NM_001382741.1(FBRSL1):c.1301C>T (p.Pro434Leu)

Gene: FBRSL1 (fibrosin like 1; plus strand). Cytogenetic location: 12q24.33.
Variant type: single nucleotide variant.
Coding change: c.1301C>T on transcript NM_001382741.1 (MANE Plus Clinical); coding-DNA position 1301, C replaced by T.
Protein change: p.Pro434Leu; replaces proline 434 with leucine.
Molecular consequence: missense variant. On other transcripts: non-coding transcript variant (1), intron variant (5).
Genome position (GRCh38, 1-based): chr12:132,509,977, C>T. VCF-style: chr12-132509977-C-T. GRCh37 (hg19) VCF-style: chr12-133086563-C-T.
Other names: c.1004C>T, p.Pro335Leu (NM_001382742.1); c.489+1627C>T (NM_001367871.1, NM_001382739.1, NM_001142641.2 and 2 more transcripts); short protein forms P335L, P434L.
Identifiers: ClinVar variation 4821873 (VCV004821873.4).